The following is an entry in ClinVar:

NM_001283009.2(RTEL1):c.765+4A>G

Genes: RTEL1 (regulator of telomere elongation helicase 1; plus strand), RTEL1-TNFRSF6B (RTEL1-TNFRSF6B readthrough (NMD candidate); plus strand). Cytogenetic location: 20q13.33.
Variant type: single nucleotide variant.
Coding change: c.765+4A>G on transcript NM_001283009.2 (MANE Select); 4 bases into the intron after coding-DNA position 765, A replaced by G.
Molecular consequence: intron variant.
Genome position (GRCh38, 1-based): chr20:63,672,625, A>G. VCF-style: chr20-63672625-A-G. GRCh37 (hg19) VCF-style: chr20-62303978-A-G.
Other names: c.96+4A>G (NM_001283010.1); c.837+4A>G (NM_032957.5); c.765+4A>G (NM_016434.4).
Identifiers: ClinVar variation 1062396 (VCV001062396.10), dbSNP rs948594061, ClinGen allele CA317495323.
Genomic context (GRCh38, chr20:63,672,625, plus strand): 5'-GCACACAACATTGACCTGAAGGGGACAGTCGTGATCTTTGACGAAGCTCACAACGTGGTG[A>G]GTCTCCGCTGGCCTCCTAAACACCTCCTATTGCTTCTGGCCTTTTTGTCAAGAGCCACGC-3'

ClinVar aggregate classification (germline): Uncertain significance. Review status: criteria provided, multiple submitters, no conflicts (2 of 4 stars). 3 submissions from 3 submitters: Uncertain significance (2). 1 of the submissions does not count toward it. Last evaluated 2025-01-13.

Conditions:
Dyskeratosis congenita, autosomal recessive 5 (DKCB5). Identifiers: MedGen C3554656, MONDO:0014076, OMIM 615190.
Pulmonary fibrosis and/or bone marrow failure, Telomere-related, 3. Also called: PULMONARY FIBROSIS AND/OR BONE MARROW FAILURE SYNDROME, TELOMERE-RELATED, 3. Identifiers: Orphanet 2032, MedGen C4225346, MONDO:0014613, OMIM 616373.
Dyskeratosis congenita. Identifiers: Orphanet 1775, MedGen C0265965, MONDO:0015780.

Allele frequency attached by ClinVar (database versions not stated): gnomAD exomes 0.00001 and 0.00002; TOPMed 0.00001.
gnomAD v4.1: 4 of 1,578,672 alleles (0.00025%); highest among the groups gnomAD compares: Admixed American, 0.0072%; no homozygotes.

Submissions (3):

Labcorp Genetics (formerly Invitae), Labcorp
Classification: Uncertain significance for Dyskeratosis congenita, autosomal recessive 5; Pulmonary fibrosis and/or bone marrow failure, Telomere-related, 3. Last evaluated: 2025-01-13. Review status: criteria provided, single submitter. Criteria: Invitae Variant Classification Sherloc (09022015). Collection method: clinical testing. Allele origin: germline.
Comment: This sequence change falls in intron 9 of the RTEL1 gene. It does not directly change the encoded amino acid sequence of the RTEL1 protein. It affects a nucleotide within the consensus splice site. The frequency data for this variant in the population databases is considered unreliable, as metrics indicate poor data quality at this position in the gnomAD database. This variant has not been reported in the literature in individuals affected with RTEL1-related conditions. ClinVar contains an entry for this variant (Variation ID: 1062396). Variants that disrupt the consensus splice site are a relatively common cause of aberrant splicing (PMID: 17576681, 9536098). Algorithms developed to predict the effect of sequence changes on RNA splicing suggest that this variant may disrupt the consensus splice site. In summary, the available evidence is currently insufficient to determine the role of this variant in disease. Therefore, it has been classified as a Variant of Uncertain Significance.

GeneDx
Classification: Uncertain significance. Last evaluated: 2021-12-13. Review status: criteria provided, single submitter. Criteria: GeneDx Variant Classification Process June 2021. Collection method: clinical testing. Allele origin: germline. Affected: yes.
Comment: Not observed at significant frequency in large population cohorts (gnomAD); Has not been previously published as pathogenic or benign to our knowledge; In-silico analysis is inconclusive as to whether the variant alters gene splicing. In the absence of RNA/functional studies, the actual effect of this sequence change is unknown.

Natera, Inc.
Classification: Uncertain significance for Dyskeratosis congenita. Last evaluated: 2020-02-18. Review status: no assertion criteria provided. Collection method: clinical testing. Allele origin: germline. Not counted in ClinVar's aggregate classification.

Literature cited by the submitters: PubMed 17576681 (cited by Labcorp Genetics (formerly Invitae), Labcorp); PubMed 9536098 (cited by Labcorp Genetics (formerly Invitae), Labcorp).